The following is an entry in ClinVar:

NM_000237.3(LPL):c.1172_1175del (p.Ser390_Phe391insTer)

Gene: LPL (lipoprotein lipase; plus strand). Cytogenetic location: 8p21.3.
Variant type: Microsatellite.
Coding change: c.1172_1175del on transcript NM_000237.3 (MANE Select); coding-DNA positions 1172 to 1175, 4 bases deleted (TCCT; older notation c.1172_1175delTCCT).
Protein change: p.Ser390_Phe391insTer.
Molecular consequence: nonsense.
Genome position (GRCh38, 1-based): chr8:19,960,933-19,960,936, TCCT deleted; deleting any 4 consecutive bases within chr8:19,960,929-19,960,936 gives the same sequence; the c. name uses the placement nearest the transcript's 3' end. VCF-style (leftmost placement, unchanged base first): chr8-19960928-CTCCT-C. GRCh37 (hg19) VCF-style: chr8-19818439-CTCCT-C.
Identifiers: ClinVar variation 1075531 (VCV001075531.5), dbSNP rs2128839576, ClinGen allele CA2580614312.

ClinVar aggregate classification (germline): Pathogenic (1 of 4 stars; one submission).

Submission:

Labcorp Genetics (formerly Invitae), Labcorp
Classification: Pathogenic. Last evaluated: 2017-09-16. Review status: criteria provided, single submitter. Criteria: Invitae Variant Classification Sherloc (09022015). Collection method: clinical testing. Allele origin: germline.
Comment: This sequence change creates a premature translational stop signal (p.Phe391*) in the LPL gene. It is expected to result in an absent or disrupted protein product. This variant is not present in population databases (ExAC no frequency). This variant has not been reported in the literature in individuals with LPL-related disease. Loss-of-function variants in LPL are known to be pathogenic (PMID: 11334614). For these reasons, this variant has been classified as Pathogenic.

Literature cited by the submitters: PubMed 11334614.